The following is an entry in ClinVar:

NM_007294.4(BRCA1):c.-10A>T

Gene: BRCA1 (BRCA1 DNA repair associated; minus strand). Cytogenetic location: 17q21.31.
Variant type: single nucleotide variant.
Coding change: c.-10A>T on transcript NM_007294.4 (MANE Select); 10 bases upstream of the start codon, A replaced by T.
Molecular consequence: 5 prime UTR variant. On other transcripts: non-coding transcript variant (1).
Genome position (GRCh38, 1-based): chr17:43,124,106, T>A on the plus strand (A>T on the coding strand, the complement: BRCA1 is on the minus strand). VCF-style: chr17-43124106-T-A. GRCh37 (hg19) VCF-style: chr17-41276123-T-A.
Other names: c.-198A>T (NM_001407571.1, NM_001407853.1, NM_001407879.1 and 42 more transcripts); c.-10A>T (NM_001407581.1, NM_001407582.1, NM_001407583.1 and 169 more transcripts); c.-267A>T (NM_001407694.1, NM_001407724.1, NM_001407727.1 and 11 more transcripts); c.-271A>T (NM_001407695.1, NM_001408465.1); c.-412A>T (NM_001407696.1); c.-296A>T (NM_001407697.1, NM_001407846.1, NM_001407920.1); c.-97A>T (NM_001407698.1, NM_001407732.1, NM_001407736.1 and 21 more transcripts); c.-270A>T (NM_001407725.1, NM_001407730.1, NM_001407734.1 and 22 more transcripts); and 8 more.
Identifiers: ClinVar variation 867659 (VCV000867659.3), dbSNP rs748057929, ClinGen allele CA916081156.

Conditions:
Breast-ovarian cancer, familial, susceptibility to, 1 (BROVCA1). Also called: BRCA1 Hereditary Breast and Ovarian Cancer; OVARIAN CANCER, SUSCEPTIBILITY TO. Identifiers: Orphanet 145, MedGen C2676676, MONDO:0011450, OMIM 604370. Disease mechanism: loss of function.

Submission:

Brotman Baty Institute, University of Washington
No classification provided (evidence only). Condition: Breast-ovarian cancer, familial 1. Review status: no classification provided. Collection method: in vitro. Allele origin: not applicable. Functional consequence: functionally_normal.
ClinVar note: "not provided" was previously submitted as the classification for the variant. However, the classification appeared to be based only on an observation of functional data so it was converted to no classification on 2025-07-30.